The following is an entry in ClinVar:

ClinVar aggregate classification (germline): Pathogenic (1 of 4 stars; one submission).

Conditions:
Familial adenomatous polyposis 1 (FAP1). Also called: POLYPOSIS, ADENOMATOUS INTESTINAL; FAMILIAL ADENOMATOUS POLYPOSIS 1, ATTENUATED. Identifiers: MedGen C2713442, MONDO:0021056, OMIM 175100. Disease mechanism: loss of function.

Submission:

Labcorp Genetics (formerly Invitae), Labcorp
Classification: Pathogenic for Familial adenomatous polyposis 1. Last evaluated: 2023-08-25. Review status: criteria provided, single submitter. Criteria: Invitae Variant Classification Sherloc (09022015). Collection method: clinical testing. Allele origin: germline.
Comment: For these reasons, this variant has been classified as Pathogenic. This variant disrupts a region of the APC protein in which other variant(s) (p.Tyr2645Lysfs*14) have been determined to be pathogenic (PMID: 1316610, 8381579, 9824584, 22135120, 27081525; Invitae). This suggests that this is a clinically significant region of the protein, and that variants that disrupt it are likely to be disease-causing. This variant has not been reported in the literature in individuals affected with APC-related conditions. This variant is not present in population databases (gnomAD no frequency). This sequence change creates a premature translational stop signal (p.Leu1799*) in the APC gene. While this is not anticipated to result in nonsense mediated decay, it is expected to disrupt the last 1045 amino acid(s) of the APC protein.

Literature cited by the submitters: PubMed 1316610; PubMed 8381579; PubMed 9824584; PubMed 22135120; PubMed 27081525.

NM_000038.6(APC):c.5396T>G (p.Leu1799Ter)

Gene: APC (APC regulator of Wnt signaling pathway; plus strand). Cytogenetic location: 5q22.2.
Variant type: single nucleotide variant.
Coding change: c.5396T>G on transcript NM_000038.6 (MANE Select); coding-DNA position 5396, T replaced by G.
Protein change: p.Leu1799Ter; replaces leucine 1799 with a stop codon.
Molecular consequence: nonsense. On other transcripts: non-coding transcript variant (2).
Genome position (GRCh38, 1-based): chr5:112,840,990, T>G. VCF-style: chr5-112840990-T-G. GRCh37 (hg19) VCF-style: chr5-112176687-T-G.
Other names: c.5396T>G, p.Leu1799Ter (NM_001127510.3, NM_001354895.2, NM_001407450.1); c.5342T>G, p.Leu1781Ter (NM_001127511.3); c.5450T>G, p.Leu1817Ter (NM_001354896.2, NM_001407447.1, NM_001407448.1 and 1 more transcripts); c.5426T>G, p.Leu1809Ter (NM_001354897.2); c.5321T>G, p.Leu1774Ter (NM_001354898.2); c.5312T>G, p.Leu1771Ter (NM_001354899.2); c.5273T>G, p.Leu1758Ter (NM_001354900.2); c.5219T>G, p.Leu1740Ter (NM_001354901.2, NM_001407453.1); and 11 more; short protein forms L1516*, L1670*, L1758*, L1771*, L1781*, L1817*, L1415*, L1698*.
Identifiers: ClinVar variation 2824923 (VCV002824923.3), dbSNP rs2533641270, ClinGen allele CA16033127.